The following is an entry in ClinVar:

ClinVar aggregate classification (germline): Uncertain significance (1 of 4 stars; one submission).

Allele frequency attached by ClinVar (database versions not stated): ExAC 0.00001; TOPMed 0.00002.
gnomAD v4.1: 11 of 1,593,120 alleles (0.00069%); highest among the groups gnomAD compares: Admixed American, 0.0017%; no homozygotes.

Submission:

Labcorp Genetics (formerly Invitae), Labcorp
Classification: Uncertain significance. Last evaluated: 2022-03-15. Review status: criteria provided, single submitter. Criteria: Invitae Variant Classification Sherloc (09022015). Collection method: clinical testing. Allele origin: germline.
Comment: This sequence change replaces arginine, which is basic and polar, with lysine, which is basic and polar, at codon 952 of the GPR179 protein (p.Arg952Lys). This variant is present in population databases (rs773957696, gnomAD 0.001%). This variant has not been reported in the literature in individuals affected with GPR179-related conditions. Algorithms developed to predict the effect of missense changes on protein structure and function (SIFT, PolyPhen-2, Align-GVGD) all suggest that this variant is likely to be tolerated. In summary, the available evidence is currently insufficient to determine the role of this variant in disease. Therefore, it has been classified as a Variant of Uncertain Significance.

NM_001004334.4(GPR179):c.2855G>A (p.Arg952Lys)

Gene: GPR179 (G protein-coupled receptor 179; minus strand). Cytogenetic location: 17q12.
Variant type: single nucleotide variant.
Coding change: c.2855G>A on transcript NM_001004334.4 (MANE Select); coding-DNA position 2855, G replaced by A.
Protein change: p.Arg952Lys; replaces arginine 952 with lysine.
Molecular consequence: missense variant.
Genome position (GRCh38, 1-based): chr17:38,330,714, C>T on the plus strand (G>A on the coding strand, the complement: GPR179 is on the minus strand). VCF-style: chr17-38330714-C-T. GRCh37 (hg19) VCF-style: chr17-36486597-C-T.
Other names: short protein forms R952K.
Identifiers: ClinVar variation 1958445 (VCV001958445.2), dbSNP rs773957696, ClinGen allele CA290105520.
Genomic context (GRCh38, chr17:38,330,714, plus strand): 5'-GGGGTTGGAGCTAGAGCTGGCAGCAGAGCTGGAGCCAAGGTGGAGGTGGGAGATAGCATC[C>T]TTGGCTCTCCCAGGCCCCCAGACAGGGCCAAGATGGGGGTAGAAACCTGGTGCCTGATGG-3'
Protein context (NP_001004334.3, residues 942-962): LALSGGLGEP[Arg952Lys]MLSPTSTLAP